The following is an entry in ClinVar:

NM_001110556.2(FLNA):c.4482G>A (p.Val1494=)

Gene: FLNA (filamin A; minus strand). Cytogenetic location: Xq28.
Variant type: single nucleotide variant.
Coding change: c.4482G>A on transcript NM_001110556.2 (MANE Select); coding-DNA position 4482, G replaced by A.
Protein change: p.Val1494=; no amino-acid change (valine 1494 retained).
Molecular consequence: synonymous variant.
Genome position (GRCh38, 1-based): chrX:154,358,561, C>T on the plus strand (G>A on the coding strand, the complement: FLNA is on the minus strand). VCF-style: chrX-154358561-C-T. GRCh37 (hg19) VCF-style: chrX-153586929-C-T.
Other names: c.4482G>A, p.Val1494= (NM_001456.4); c.4482G>A (NM_001110556.1).
Identifiers: ClinVar variation 588131 (VCV000588131.20), dbSNP rs782154368, ClinGen allele CA10560519.

ClinVar aggregate classification (germline): Likely benign. Review status: criteria provided, multiple submitters, no conflicts (2 of 4 stars). 5 submissions from 5 submitters: Likely benign (4). 1 of the submissions does not count toward it. Last evaluated 2026-02-01.

Conditions:
FLNA-related disorder.
Oto-palato-digital syndrome, type II (OPD2). Also called: OPD II SYNDROME; FACIOPALATOOSSEOUS SYNDROME; Otopalatodigital Syndrome, Type II; Otopalatodigital Syndrome Type 2 (FLNA-OPD2). Identifiers: Orphanet 669, Orphanet 90652, MedGen C1844696, MONDO:0010571, OMIM 304120.
Melnick-Needles syndrome (MNS). Also called: MELNICK-NEEDLES OSTEODYSPLASTY; OSTEODYSPLASTY OF MELNICK AND NEEDLES; Melnick-Needles Syndrome (FLNA-MNS). Identifiers: Orphanet 2484, MedGen C0025237, MONDO:0010650, OMIM 309350.
Frontometaphyseal dysplasia (FMD1). Identifiers: Orphanet 1826, MedGen C0265293, MONDO:0015942.
Heterotopia, periventricular, X-linked dominant (PVNH1). Also called: PERIVENTRICULAR NODULAR HETEROTOPIA 1; X-linked periventricular heterotopia; PERIVENTRICULAR NODULAR HETEROTOPIA 4; HETEROTOPIA, PERIVENTRICULAR, 1. Identifiers: Orphanet 2149, Orphanet 82004, MedGen C1848213, MONDO:0010233, OMIM 300049.
Familial thoracic aortic aneurysm and aortic dissection (TAAD). Also called: Thoracic aortic aneurysms and dissections. Identifiers: Orphanet 91387, MedGen C4707243, MONDO:0019625.

Allele frequency attached by ClinVar (database versions not stated): gnomAD exomes 0.00001 and 0.00007; TOPMed 0.00003; ExAC 0.00005.
gnomAD v4.1: 16 of 1,210,224 alleles (0.0013%); highest among the groups gnomAD compares: Admixed American, 0.033%; no homozygotes.

Submissions (5):

CeGaT Center for Human Genetics Tuebingen
Classification: Likely benign. Last evaluated: 2026-02-01. Review status: criteria provided, single submitter. Criteria: CeGaT Center For Human Genetics Tuebingen Variant Classification Criteria Version 2. Collection method: clinical testing. Allele origin: germline. Affected: yes. Observed: 1 variant allele.
Comment: FLNA: BP4, BP7, BS2

Labcorp Genetics (formerly Invitae), Labcorp
Classification: Likely benign for Oto-palato-digital syndrome, type II; Heterotopia, periventricular, X-linked dominant; Frontometaphyseal dysplasia; Melnick-Needles syndrome. Last evaluated: 2025-05-05. Review status: criteria provided, single submitter. Criteria: Invitae Variant Classification Sherloc (09022015). Collection method: clinical testing. Allele origin: germline.

Blueprint Genetics
Classification: Likely benign. Last evaluated: 2021-07-23. Review status: criteria provided, single submitter. Criteria: ACMG Guidelines, 2015. Collection method: clinical testing. Allele origin: germline.

Ambry Genetics
Classification: Likely benign for Familial thoracic aortic aneurysm and aortic dissection. Last evaluated: 2016-08-04. Review status: criteria provided, single submitter. Criteria: Ambry Variant Classification Scheme 2023. Collection method: clinical testing. Allele origin: germline.

PreventionGenetics, part of Exact Sciences
Classification: Likely benign for FLNA-related condition. Last evaluated: 2022-06-27. Review status: no assertion criteria provided. Collection method: clinical testing. Allele origin: germline. Not counted in ClinVar's aggregate classification.
Comment: This variant is classified as likely benign based on ACMG/AMP sequence variant interpretation guidelines (Richards et al. 2015 PMID: 25741868, with internal and published modifications).